The following is an entry in ClinVar:

NM_015271.5(TRIM2):c.1452G>A (p.Met484Ile)

Gene: TRIM2 (tripartite motif containing 2; plus strand). Cytogenetic location: 4q31.3.
Variant type: single nucleotide variant.
Coding change: c.1452G>A on transcript NM_015271.5 (MANE Select); coding-DNA position 1452, G replaced by A.
Protein change: p.Met484Ile; replaces methionine 484 with isoleucine.
Molecular consequence: missense variant.
Genome position (GRCh38, 1-based): chr4:153,295,978, G>A. VCF-style: chr4-153295978-G-A. GRCh37 (hg19) VCF-style: chr4-154217130-G-A.
Other names: c.1371G>A, p.Met457Ile (NM_001130067.2, NM_001351056.2, NM_001375512.1 and 5 more transcripts); c.1425G>A, p.Met475Ile (NM_001351054.2); c.1422G>A, p.Met474Ile (NM_001351055.2); c.996G>A, p.Met332Ile (NM_001351057.2); c.1545G>A, p.Met515Ile (NM_001375488.1); c.1542G>A, p.Met514Ile (NM_001375489.1); c.1395G>A, p.Met465Ile (NM_001375490.1); c.1392G>A, p.Met464Ile (NM_001375491.1); and 3 more; short protein forms M332I, M514I, M373I, M371I, M372I, M464I, M484I, M515I.
Identifiers: ClinVar variation 3689382 (VCV003689382.2).

ClinVar aggregate classification (germline): Uncertain significance (1 of 4 stars; one submission).

Conditions:
Charcot-Marie-Tooth disease type 2R. Also called: CHARCOT-MARIE-TOOTH DISEASE, AXONAL, AUTOSOMAL RECESSIVE, TYPE 2R; Charcot-Marie-Tooth disease, axonal, type 2R; CHARCOT-MARIE-TOOTH NEUROPATHY, TYPE 2R. Identifiers: Orphanet 397968, MedGen C3809655, MONDO:0014208, OMIM 615490.

Submission:

Labcorp Genetics (formerly Invitae), Labcorp
Classification: Uncertain significance for Charcot-Marie-Tooth disease type 2R. Last evaluated: 2025-02-23. Review status: criteria provided, single submitter. Criteria: Invitae Variant Classification Sherloc (09022015). Collection method: clinical testing. Allele origin: germline.
Comment: This sequence change replaces methionine, which is neutral and non-polar, with isoleucine, which is neutral and non-polar, at codon 457 of the TRIM2 protein (p.Met457Ile). This variant is not present in population databases (gnomAD no frequency). This variant has not been reported in the literature in individuals affected with TRIM2-related conditions. An algorithm developed to predict the effect of missense changes on protein structure and function (PolyPhen-2) suggests that this variant is likely to be tolerated. In summary, the available evidence is currently insufficient to determine the role of this variant in disease. Therefore, it has been classified as a Variant of Uncertain Significance.